The following is an entry in ClinVar:

NM_000535.7(PMS2):c.323G>C (p.Gly108Ala)

Gene: PMS2 (PMS1 homolog 2, mismatch repair system component; minus strand). Cytogenetic location: 7p22.1.
Variant type: single nucleotide variant.
Coding change: c.323G>C on transcript NM_000535.7 (MANE Select); coding-DNA position 323, G replaced by C.
Protein change: p.Gly108Ala; replaces glycine 108 with alanine.
Molecular consequence: missense variant. On other transcripts: 5 prime UTR variant (9), non-coding transcript variant (1), intron variant (2).
Genome position (GRCh38, 1-based): chr7:6,003,720, C>G on the plus strand (G>C on the coding strand, the complement: PMS2 is on the minus strand). VCF-style: chr7-6003720-C-G. GRCh37 (hg19) VCF-style: chr7-6043351-C-G.
Other names: c.323G>C, p.Gly108Ala (NM_001322006.2, NM_001322014.2); c.-83G>C (NM_001322009.2, NM_001322010.2, NM_001322013.2 and 3 more transcripts); c.-562G>C (NM_001322011.2, NM_001322012.2); c.-162G>C (NM_001322015.2); c.35+252G>C (NM_001322008.2, NM_001322007.2); c.323G>C (NM_000535.5); short protein forms G108A.
Identifiers: ClinVar variation 926928 (VCV000926928.8), dbSNP rs1785369293, ClinGen allele CA366744582.
Genomic context (GRCh38, chr7:6,003,720, plus strand): 5'-TCAAGTGAGTGGATAAAAATATTGTATCACCTCAGTGCACAAAGTGAGCTCAGAGCTTCC[C>G]CCCGAAAGCCAAAAGTTTCAACCTGAGTTAGGTCGGCAAACTCTTGAATCTTAGATGTGT-3'
Protein context (NP_000526.2, residues 98-118): LTQVETFGFR[Gly108Ala]EALSSLCALS

ClinVar aggregate classification (germline): Uncertain significance. Review status: criteria provided, multiple submitters, no conflicts (2 of 4 stars). 4 submissions from 4 submitters: Uncertain significance (4). Last evaluated 2026-08-19.

Conditions:
Hereditary nonpolyposis colorectal neoplasms. Identifiers: MedGen C0009405, MeSH D003123.
Hereditary cancer-predisposing syndrome. Also called: Neoplastic Syndromes, Hereditary; Hereditary Cancer Syndrome; Tumor predisposition; Hereditary neoplastic syndrome. Identifiers: Orphanet 140162, MedGen C0027672, MeSH D009386, MONDO:0015356.
Lynch syndrome. Identifiers: Orphanet 144, MedGen C4552100, MONDO:0005835. Disease mechanism: loss of function.

Submissions (4):

Ambry Genetics
Classification: Uncertain significance for Hereditary cancer-predisposing syndrome. Last evaluated: 2026-08-19. Review status: criteria provided, single submitter. Criteria: Ambry Variant Classification Scheme 2023. Collection method: clinical testing. Allele origin: germline.
Comment: The p.G108A variant (also known as c.323G>C), located in coding exon 4 of the PMS2 gene, results from a G to C substitution at nucleotide position 323. The glycine at codon 108 is replaced by alanine, an amino acid with similar properties. This amino acid position is highly conserved in available vertebrate species. In addition, this alteration is predicted to be deleterious by in silico analysis. Based on the available evidence, the clinical significance of this variant remains unclear.

Labcorp Genetics (formerly Invitae), Labcorp
Classification: Uncertain significance for Hereditary nonpolyposis colorectal neoplasms. Last evaluated: 2024-02-03. Review status: criteria provided, single submitter. Criteria: Invitae Variant Classification Sherloc (09022015). Collection method: clinical testing. Allele origin: germline.
Comment: This sequence change replaces glycine, which is neutral and non-polar, with alanine, which is neutral and non-polar, at codon 108 of the PMS2 protein (p.Gly108Ala). This variant is not present in population databases (gnomAD no frequency). This variant has not been reported in the literature in individuals affected with PMS2-related conditions. ClinVar contains an entry for this variant (Variation ID: 926928). Advanced modeling of protein sequence and biophysical properties (such as structural, functional, and spatial information, amino acid conservation, physicochemical variation, residue mobility, and thermodynamic stability) performed at Invitae indicates that this missense variant is expected to disrupt PMS2 protein function with a positive predictive value of 80%. In summary, the available evidence is currently insufficient to determine the role of this variant in disease. Therefore, it has been classified as a Variant of Uncertain Significance.

Department of Pathology and Laboratory Medicine, Sinai Health System
Classification: Uncertain significance for Lynch syndrome. Last evaluated: 2023-05-10. Review status: criteria provided, single submitter. Criteria: ACMG Guidelines, 2015. Collection method: clinical testing. Allele origin: germline. Affected: yes.

Color Diagnostics, LLC DBA Color Health
Classification: Uncertain significance for Hereditary cancer-predisposing syndrome. Last evaluated: 2019-09-19. Review status: criteria provided, single submitter. Criteria: ACMG Guidelines, 2015. Collection method: clinical testing. Allele origin: germline.
Comment: This missense variant replaces glycine with alanine at codon 108 of the PMS2 protein. Computational prediction tool suggests that this variant may have deleterious impact on protein structure and function (internally defined REVEL score threshold ≥0.7, PMID: 27666373). Splice site prediction tools suggest that this variant may not impact RNA splicing. To our knowledge, functional studies have not been performed for this variant. This variant has not been reported in individuals affected with hereditary cancer in the literature. This variant has not been identified in the general population by the Genome Aggregation Database (gnomAD). The available evidence is insufficient to determine the role of this variant in disease conclusively. Therefore, this variant is classified as a Variant of Uncertain Significance.